The following is an entry in ClinVar:

ClinVar aggregate classification (germline): Uncertain significance (1 of 4 stars; one submission).

Conditions:
Cardiovascular phenotype. Identifiers: MedGen CN230736.

Submission:

Ambry Genetics
Classification: Uncertain significance for Cardiovascular phenotype. Last evaluated: 2024-03-27. Review status: criteria provided, single submitter. Criteria: Ambry Variant Classification Scheme 2023. Collection method: clinical testing. Allele origin: germline.
Comment: The p.E402K variant (also known as c.1204G>A), located in coding exon 9 of the SCN10A gene, results from a G to A substitution at nucleotide position 1204. The glutamic acid at codon 402 is replaced by lysine, an amino acid with similar properties. This amino acid position is conserved. In addition, the in silico prediction for this alteration is inconclusive. Based on the available evidence, the clinical significance of this alteration remains unclear.

NM_006514.4(SCN10A):c.1204G>A (p.Glu402Lys)

Gene: SCN10A (sodium voltage-gated channel alpha subunit 10; minus strand). Cytogenetic location: 3p22.2.
Variant type: single nucleotide variant.
Coding change: c.1204G>A on transcript NM_006514.4 (MANE Select); coding-DNA position 1204, G replaced by A.
Protein change: p.Glu402Lys; replaces glutamic acid 402 with lysine.
Molecular consequence: missense variant.
Genome position (GRCh38, 1-based): chr3:38,756,760, C>T on the plus strand (G>A on the coding strand, the complement: SCN10A is on the minus strand). VCF-style: chr3-38756760-C-T. GRCh37 (hg19) VCF-style: chr3-38798251-C-T.
Other names: c.1204G>A, p.Glu402Lys (NM_001293306.2, NM_001293307.2); short protein forms E402K.
Identifiers: ClinVar variation 3316504 (VCV003316504.1).